The following is an entry in ClinVar:

NM_001723.7(DST):c.3583C>A (p.Gln1195Lys)

Gene: DST (dystonin; minus strand). Cytogenetic location: 6p12.1.
Variant type: single nucleotide variant.
Coding change: c.3583C>A on transcript NM_001723.7 (MANE Plus Clinical); coding-DNA position 3583, C replaced by A.
Protein change: p.Gln1195Lys; replaces glutamine 1195 with lysine.
Molecular consequence: missense variant. On other transcripts: intron variant (10).
Genome position (GRCh38, 1-based): chr6:56,620,451, G>T on the plus strand (C>A on the coding strand, the complement: DST is on the minus strand). VCF-style: chr6-56620451-G-T. GRCh37 (hg19) VCF-style: chr6-56485249-G-T.
Other names: c.4830+4079C>A (NM_001144769.5); c.4929+4079C>A (NM_001374722.1, NM_001374736.1); c.4956+4079C>A (NM_001374734.1); c.4416+4079C>A (NM_001144770.2); c.4296+4079C>A (NM_001374730.1, NM_001386100.1, NM_183380.4 and 1 more transcripts); c.3318+4079C>A (NM_015548.5); short protein forms Q1195K.
Identifiers: ClinVar variation 839367 (VCV000839367.10), dbSNP rs184827565, ClinGen allele CA139209962.

ClinVar aggregate classification (germline): Uncertain significance (1 of 4 stars; one submission).

Conditions:
Hereditary sensory and autonomic neuropathy type 6. Also called: HSAN VI; Neuropathy, hereditary sensory and autonomic, type VI. Identifiers: Orphanet 314381, MedGen C3539003, MONDO:0013839, OMIM 614653.
Epidermolysis bullosa simplex 3, localized or generalized intermediate, with BP230 deficiency (EBS3). Also called: Epidermolysis bullosa simplex due to BP230 deficiency; Epidermolysis bullosa simplex, autosomal recessive 2. Identifiers: Orphanet 412181, MedGen C3809470, MONDO:0014180, OMIM 615425.

Allele frequency attached by ClinVar (database versions not stated): gnomAD exomes below 0.00001 and 0.00001; gnomAD 0.00001; 1000 Genomes Project 30x 0.00016; 1000 Genomes Project 0.00020.
gnomAD v4.1: 10 of 1,614,134 alleles (0.00062%); highest among the groups gnomAD compares: African/African-American, 0.0093%; no homozygotes.

Submission:

Labcorp Genetics (formerly Invitae), Labcorp
Classification: Uncertain significance for Epidermolysis bullosa simplex 3, localized or generalized intermediate, with BP230 deficiency; Hereditary sensory and autonomic neuropathy type 6. Last evaluated: 2023-07-14. Review status: criteria provided, single submitter. Criteria: Invitae Variant Classification Sherloc (09022015). Collection method: clinical testing. Allele origin: germline.
Comment: In summary, the available evidence is currently insufficient to determine the role of this variant in disease. Therefore, it has been classified as a Variant of Uncertain Significance. An algorithm developed to predict the effect of missense changes on protein structure and function (PolyPhen-2) suggests that this variant is likely to be tolerated. ClinVar contains an entry for this variant (Variation ID: 839367). This variant has not been reported in the literature in individuals affected with DST-related conditions. This variant is present in population databases (rs184827565, gnomAD 0.004%). This sequence change replaces glutamine, which is neutral and polar, with lysine, which is basic and polar, at codon 1195 of the DST protein (p.Gln1195Lys).